The following is an entry in ClinVar:

ClinVar aggregate classification (germline): Pathogenic/Likely pathogenic. Review status: criteria provided, multiple submitters, no conflicts (2 of 4 stars). 2 submissions from 2 submitters: Pathogenic (1); Likely pathogenic (1). Last evaluated 2022-03-02.

Conditions:
Spinocerebellar ataxia type 29 (SCA29). Also called: CEREBELLAR ATAXIA, CONGENITAL NONPROGRESSIVE, AUTOSOMAL DOMINANT; Spinocerebellar ataxia 29, congenital nonprogressive. Identifiers: Orphanet 208513, MedGen C1861732, MONDO:0007298, OMIM 117360.

Submissions (2):

MGZ Medical Genetics Center
Classification: Likely pathogenic for Spinocerebellar ataxia type 29. Last evaluated: 2022-03-02. Review status: criteria provided, single submitter. Criteria: ACMG Guidelines, 2015. Collection method: clinical testing. Allele origin: germline. Affected: yes. Observed: 1 variant allele.
Comment: ACMG criteria applied: PM1, PS2_SUP, PM2_SUP, PP2, PP3

Molecular Medicine for Neurodegenerative and Neuromuscular Diseases Unit, IRCCS Fondazione Stella Maris
Classification: Pathogenic for Spinocerebellar ataxia type 29. Last evaluated: 2021-01-04. Review status: criteria provided, single submitter. Criteria: ACMG Guidelines, 2015. Collection method: research. Allele origin: de novo. Affected: yes.

NM_001378452.1(ITPR1):c.722G>A (p.Arg241Lys)

Gene: ITPR1 (inositol 1,4,5-trisphosphate receptor type 1; plus strand). Cytogenetic location: 3p26.1.
Variant type: single nucleotide variant.
Coding change: c.722G>A on transcript NM_001378452.1 (MANE Select); coding-DNA position 722, G replaced by A.
Protein change: p.Arg241Lys; replaces arginine 241 with lysine.
Molecular consequence: missense variant.
Genome position (GRCh38, 1-based): chr3:4,645,595, G>A. VCF-style: chr3-4645595-G-A. GRCh37 (hg19) VCF-style: chr3-4687279-G-A.
Other names: c.722G>A, p.Arg241Lys (NM_001099952.4, NM_001168272.2, NM_002222.7); short protein forms R241K.
Identifiers: ClinVar variation 1027413 (VCV001027413.3), dbSNP rs2125159664, ClinGen allele CA351636391.